The following is an entry in ClinVar:

NM_000276.4(OCRL):c.1291G>A (p.Asp431Asn)

Gene: OCRL (OCRL inositol polyphosphate-5-phosphatase; plus strand). Cytogenetic location: Xq26.1.
Variant type: single nucleotide variant.
Coding change: c.1291G>A on transcript NM_000276.4 (MANE Select); coding-DNA position 1291, G replaced by A.
Protein change: p.Asp431Asn; replaces aspartic acid 431 with asparagine.
Molecular consequence: missense variant.
Genome position (GRCh38, 1-based): chrX:129,565,818, G>A. VCF-style: chrX-129565818-G-A. GRCh37 (hg19) VCF-style: chrX-128699795-G-A.
Other names: c.1294G>A, p.Asp432Asn (NM_001318784.2); c.1291G>A, p.Asp431Asn (NM_001587.4); short protein forms D431N, D432N.
Identifiers: ClinVar variation 590252 (VCV000590252.31), dbSNP rs137884245, ClinGen allele CA10512164.

ClinVar aggregate classification (germline): Benign/Likely benign. Review status: criteria provided, multiple submitters, no conflicts (2 of 4 stars). 5 submissions from 5 submitters: Benign (2); Likely benign (3). Last evaluated 2026-02-01.

Conditions:
Nephrolithiasis/nephrocalcinosis. Identifiers: MedGen CN580796.
Lowe syndrome (OCRL). Also called: PHOSPHATIDYLINOSITOL 4,5-BISPHOSPHATE 5-PHOSPHATASE DEFICIENCY; LOWE OCULOCEREBRORENAL SYNDROME; Oculocerebrorenal Syndrome. Identifiers: Orphanet 534, MedGen C0028860, MONDO:0010645, OMIM 309000.

Allele frequency attached by ClinVar (database versions not stated): 1000 Genomes Project 0.00106; gnomAD 0.00160 and 0.00169; TOPMed 0.00165; ESP Exome Variant Server 0.00275; gnomAD exomes 0.00016 and 0.00047; ExAC 0.00055; 1000 Genomes Project 30x 0.00083.
gnomAD v4.1: 351 of 1,207,830 alleles (0.029%); highest among the groups gnomAD compares: African/African-American, 0.56%; no homozygotes.

Submissions (5):

Labcorp Genetics (formerly Invitae), Labcorp
Classification: Benign for Lowe syndrome. Last evaluated: 2026-02-01. Review status: criteria provided, single submitter. Criteria: Invitae Variant Classification Sherloc (09022015). Collection method: clinical testing. Allele origin: germline.

CeGaT Center for Human Genetics Tuebingen
Classification: Likely benign. Last evaluated: 2025-11-01. Review status: criteria provided, single submitter. Criteria: CeGaT Center For Human Genetics Tuebingen Variant Classification Criteria Version 2. Collection method: clinical testing. Allele origin: germline. Affected: yes. Observed: 2 variant alleles.
Comment: OCRL: BS2

Blueprint Genetics
Classification: Likely benign. Last evaluated: 2024-10-03. Review status: criteria provided, single submitter. Criteria: ACMG Guidelines, 2015. Collection method: clinical testing. Allele origin: germline.

GeneDx
Classification: Likely benign. Last evaluated: 2020-12-09. Review status: criteria provided, single submitter. Criteria: GeneDx Variant Classification Process June 2021. Collection method: clinical testing. Allele origin: germline. Affected: yes.
Comment: In silico analysis, which includes protein predictors and evolutionary conservation, supports a deleterious effect; Has not been previously published as pathogenic or benign to our knowledge

Ambry Genetics
Classification: Benign for Nephrolithiasis/nephrocalcinosis. Last evaluated: 2018-11-23. Review status: criteria provided, single submitter. Criteria: Ambry Variant Classification Scheme 2023. Collection method: clinical testing. Allele origin: germline.